The following is an entry in ClinVar:

ClinVar aggregate classification (germline): Uncertain significance (1 of 4 stars; one submission).

Conditions:
Inborn genetic diseases. Identifiers: MedGen C0950123, MeSH D030342.

Submission:

Ambry Genetics
Classification: Uncertain significance for Inborn genetic diseases. Last evaluated: 2025-05-02. Review status: criteria provided, single submitter. Criteria: Ambry Variant Classification Scheme 2023. Collection method: clinical testing. Allele origin: germline.
Comment: The p.C340G variant (also known as c.1018T>G), located in coding exon 8 of the DNMT3A gene, results from a T to G substitution at nucleotide position 1018. The cysteine at codon 340 is replaced by glycine, an amino acid with highly dissimilar properties. This amino acid position is conserved. In addition, this alteration is predicted to be deleterious by in silico analysis. Based on the available evidence, the clinical significance of this variant remains unclear.

NM_022552.5(DNMT3A):c.1018T>G (p.Cys340Gly)

Gene: DNMT3A (DNA methyltransferase 3 alpha; minus strand). Cytogenetic location: 2p23.3.
Variant type: single nucleotide variant.
Coding change: c.1018T>G on transcript NM_022552.5 (MANE Select); coding-DNA position 1018, T replaced by G.
Protein change: p.Cys340Gly; replaces cysteine 340 with glycine.
Molecular consequence: missense variant. On other transcripts: non-coding transcript variant (1).
Genome position (GRCh38, 1-based): chr2:25,247,155, A>C on the plus strand (T>G on the coding strand, the complement: DNMT3A is on the minus strand). VCF-style: chr2-25247155-A-C. GRCh37 (hg19) VCF-style: chr2-25470024-A-C.
Other names: c.562T>G, p.Cys188Gly (NM_001320893.1); c.349T>G, p.Cys117Gly (NM_001375819.1); c.451T>G, p.Cys151Gly (NM_153759.3); c.1018T>G, p.Cys340Gly (NM_175629.2); short protein forms C151G, C188G, C117G, C340G.
Identifiers: ClinVar variation 4013921 (VCV004013921.1).